The following is an entry in ClinVar:

ClinVar aggregate classification (germline): Uncertain significance. Review status: criteria provided, multiple submitters, no conflicts (2 of 4 stars). 2 submissions from 2 submitters: Uncertain significance (2). Last evaluated 2025-10-21.

Conditions:
Inborn genetic diseases. Identifiers: MedGen C0950123, MeSH D030342.
Leber congenital amaurosis 9 (LCA9). Also called: LCA9 Leber Congenital Amaurosis; LCA 9; Amaurosis congenita of Leber, type 9. Identifiers: Orphanet 65, MedGen C1837873, MONDO:0012056, OMIM 608553.

Allele frequency attached by ClinVar (database versions not stated): gnomAD exomes below 0.00001 and 0.00001; gnomAD 0.00001; TOPMed 0.00004.
gnomAD v4.1: 7 of 1,595,152 alleles (0.00044%); highest among the groups gnomAD compares: African/African-American, 0.0067%; no homozygotes.

Submissions (2):

Ambry Genetics
Classification: Uncertain significance for Inborn genetic diseases. Last evaluated: 2025-10-21. Review status: criteria provided, single submitter. Criteria: Ambry Variant Classification Scheme 2023. Collection method: clinical testing. Allele origin: germline.

Labcorp Genetics (formerly Invitae), Labcorp
Classification: Uncertain significance for Leber congenital amaurosis 9. Last evaluated: 2022-07-11. Review status: criteria provided, single submitter. Criteria: Invitae Variant Classification Sherloc (09022015). Collection method: clinical testing. Allele origin: germline.
Comment: This sequence change replaces asparagine, which is neutral and polar, with aspartic acid, which is acidic and polar, at codon 36 of the NMNAT1 protein (p.Asn36Asp). This variant is present in population databases (no rsID available, gnomAD 0.008%). This variant has not been reported in the literature in individuals affected with NMNAT1-related conditions. ClinVar contains an entry for this variant (Variation ID: 1053336). Algorithms developed to predict the effect of missense changes on protein structure and function output the following: SIFT: "Tolerated"; PolyPhen-2: "Benign"; Align-GVGD: "Class C0". The aspartic acid amino acid residue is found in multiple mammalian species, which suggests that this missense change does not adversely affect protein function. In summary, the available evidence is currently insufficient to determine the role of this variant in disease. Therefore, it has been classified as a Variant of Uncertain Significance.

NM_022787.4(NMNAT1):c.106A>G (p.Asn36Asp)

Gene: NMNAT1 (nicotinamide nucleotide adenylyltransferase 1; plus strand). Cytogenetic location: 1p36.22.
Variant type: single nucleotide variant.
Coding change: c.106A>G on transcript NM_022787.4 (MANE Select); coding-DNA position 106, A replaced by G.
Protein change: p.Asn36Asp; replaces asparagine 36 with aspartic acid.
Molecular consequence: missense variant.
Genome position (GRCh38, 1-based): chr1:9,972,179, A>G. VCF-style: chr1-9972179-A-G. GRCh37 (hg19) VCF-style: chr1-10032237-A-G.
Other names: c.106A>G, p.Asn36Asp (NM_001297778.1, NM_001297779.2); c.106A>G (NM_022787.3); short protein forms N36D.
Identifiers: ClinVar variation 1053336 (VCV001053336.8), dbSNP rs1408398828, ClinGen allele CA338683670.